The following is an entry in ClinVar:

NM_138387.4(G6PC3):c.1004T>G (p.Phe335Cys)

Gene: G6PC3 (glucose-6-phosphatase catalytic subunit 3; plus strand). Cytogenetic location: 17q21.31.
Variant type: single nucleotide variant.
Coding change: c.1004T>G on transcript NM_138387.4 (MANE Select); coding-DNA position 1004, T replaced by G.
Protein change: p.Phe335Cys; replaces phenylalanine 335 with cysteine.
Molecular consequence: missense variant. On other transcripts: 3 prime UTR variant (1).
Genome position (GRCh38, 1-based): chr17:44,076,006, T>G. VCF-style: chr17-44076006-T-G. GRCh37 (hg19) VCF-style: chr17-42153374-T-G.
Other names: c.*297T>G (NM_001319945.2); c.659T>G, p.Phe220Cys (NM_001384165.1, NM_001384166.1, NM_001384167.1 and 1 more transcripts); short protein forms F220C, F335C.
Identifiers: ClinVar variation 3518072 (VCV003518072.1).

ClinVar aggregate classification (germline): Uncertain significance (1 of 4 stars; one submission).

Conditions:
Inborn genetic diseases. Identifiers: MedGen C0950123, MeSH D030342.

Submission:

Ambry Genetics
Classification: Uncertain significance for Inborn genetic diseases. Last evaluated: 2024-12-04. Review status: criteria provided, single submitter. Criteria: Ambry Variant Classification Scheme 2023. Collection method: clinical testing. Allele origin: germline.
Comment: The p.F335C variant (also known as c.1004T>G), located in coding exon 6 of the G6PC3 gene, results from a T to G substitution at nucleotide position 1004. The phenylalanine at codon 335 is replaced by cysteine, an amino acid with highly dissimilar properties. This amino acid position is conserved. In addition, the in silico prediction for this alteration is inconclusive. Based on the available evidence, the clinical significance of this variant remains unclear.